The following is an entry in ClinVar:

NM_001042424.3(NSD2):c.640A>G (p.Lys214Glu)

Gene: NSD2 (nuclear receptor binding SET domain protein 2; plus strand). Cytogenetic location: 4p16.3.
Variant type: single nucleotide variant.
Coding change: c.640A>G on transcript NM_001042424.3 (MANE Select); coding-DNA position 640, A replaced by G.
Protein change: p.Lys214Glu; replaces lysine 214 with glutamic acid.
Molecular consequence: missense variant.
Genome position (GRCh38, 1-based): chr4:1,904,258, A>G. VCF-style: chr4-1904258-A-G. GRCh37 (hg19) VCF-style: chr4-1905985-A-G.
Other names: c.640A>G, p.Lys214Glu (NM_007331.2, NM_133330.3, NM_133331.3 and 2 more transcripts); short protein forms K214E.
Identifiers: ClinVar variation 1055095 (VCV001055095.10), dbSNP rs1373329229, ClinGen allele CA355996529.

ClinVar aggregate classification (germline): Uncertain significance. Review status: criteria provided, multiple submitters, no conflicts (2 of 4 stars). 2 submissions from 2 submitters: Uncertain significance (2). Last evaluated 2026-08-06.

Conditions:
Rauch-Steindl syndrome (RAUST). Identifiers: Orphanet 659642, MedGen C5562061, MONDO:0859219, OMIM 619695.

Allele frequency attached by ClinVar (database versions not stated): gnomAD 0.00001; gnomAD exomes below 0.00001; TOPMed 0.00002.
gnomAD v4.1: 3 of 1,614,074 alleles (0.00019%); highest among the groups gnomAD compares: Admixed American, 0.0033%; no homozygotes.

Submissions (2):

OLLIN Analises Genomicas, OLLIN
Classification: Uncertain significance for Rauch-Steindl syndrome. Last evaluated: 2026-08-06. Review status: criteria provided, single submitter. Criteria: ACMG Guidelines 2015 PMID 25741868. Collection method: clinical testing. Allele origin: germline. Inheritance: Autosomal dominant inheritance.
Comment: This missense variant, located in exon 3 (of 22), has been reported in ClinVar (accession VCV001055095.9) and in gnomAD with an allele frequency of 0.00019%. However, to our knowledge, it has not been reported in the scientific literature. In silico analysis predicts that this variant has a tolerated effect. According to the currently available evidence, this variant has been classified as uncertain significance (PM2_P, BP4_M).

Labcorp Genetics (formerly Invitae), Labcorp
Classification: Uncertain significance. Last evaluated: 2020-01-25. Review status: criteria provided, single submitter. Criteria: Invitae Variant Classification Sherloc (09022015). Collection method: clinical testing. Allele origin: germline.
Comment: In summary, the available evidence is currently insufficient to determine the role of this variant in disease. Therefore, it has been classified as a Variant of Uncertain Significance. Algorithms developed to predict the effect of missense changes on protein structure and function output the following: SIFT: "Deleterious"; PolyPhen-2: "Benign"; Align-GVGD: "Class C15". The glutamic acid amino acid residue is found in multiple mammalian species, suggesting that this missense change does not adversely affect protein function. These predictions have not been confirmed by published functional studies and their clinical significance is uncertain. This variant has not been reported in the literature in individuals with WHSC1-related conditions. This variant is not present in population databases (ExAC no frequency). This sequence change replaces lysine with glutamic acid at codon 214 of the WHSC1 protein (p.Lys214Glu). The lysine residue is highly conserved and there is a small physicochemical difference between lysine and glutamic acid.